The following is an entry in ClinVar:

NM_000171.4(GLRA1):c.473T>C (p.Ile158Thr)

Gene: GLRA1 (glycine receptor alpha 1; minus strand). Cytogenetic location: 5q33.1.
Variant type: single nucleotide variant.
Coding change: c.473T>C on transcript NM_000171.4 (MANE Select); coding-DNA position 473, T replaced by C.
Protein change: p.Ile158Thr; replaces isoleucine 158 with threonine.
Molecular consequence: missense variant.
Genome position (GRCh38, 1-based): chr5:151,859,788, A>G on the plus strand (T>C on the coding strand, the complement: GLRA1 is on the minus strand). VCF-style: chr5-151859788-A-G. GRCh37 (hg19) VCF-style: chr5-151239349-A-G.
Other names: c.473T>C, p.Ile158Thr (NM_001146040.2); c.224T>C, p.Ile75Thr (NM_001292000.2); short protein forms I75T, I158T.
Identifiers: ClinVar variation 1508105 (VCV001508105.8), dbSNP rs371331129, ClinGen allele CA129991657.
Genomic context (GRCh38, chr5:151,859,788, plus strand): 5'-GGTAGTGGGGCAAGACATGTTCTGAGCAGGGAGTGGGTGAACCTGGTCAGAACTCACCTG[A>G]TGCTGTAGAGGACATTCCCATTCCGGGAGATCCTTAGCAATTTGTTGTCTGTGGTGATCT-3'
Protein context (NP_000162.2, residues 148-168): ISRNGNVLYS[Ile158Thr]RITLTLACPM

ClinVar aggregate classification (germline): Uncertain significance (1 of 4 stars; one submission).

Conditions:
Hereditary hyperekplexia. Identifiers: Orphanet 3197, MedGen C4084968, MONDO:0021022.

Allele frequency attached by ClinVar (database versions not stated): gnomAD exomes below 0.00001 and 0.00001; gnomAD 0.00001; ESP Exome Variant Server 0.00008.
gnomAD v4.1: 17 of 1,606,974 alleles (0.0011%); highest among the groups gnomAD compares: Non-Finnish European, 0.0014%; no homozygotes.

Submission:

Labcorp Genetics (formerly Invitae), Labcorp
Classification: Uncertain significance for Hereditary hyperekplexia. Last evaluated: 2024-02-17. Review status: criteria provided, single submitter. Criteria: Invitae Variant Classification Sherloc (09022015). Collection method: clinical testing. Allele origin: germline.
Comment: This sequence change replaces isoleucine, which is neutral and non-polar, with threonine, which is neutral and polar, at codon 158 of the GLRA1 protein (p.Ile158Thr). This variant is present in population databases (rs371331129, gnomAD 0.0009%). This variant has not been reported in the literature in individuals affected with GLRA1-related conditions. ClinVar contains an entry for this variant (Variation ID: 1508105). Advanced modeling of protein sequence and biophysical properties (such as structural, functional, and spatial information, amino acid conservation, physicochemical variation, residue mobility, and thermodynamic stability) has been performed at Invitae for this missense variant, however the output from this modeling did not meet the statistical confidence thresholds required to predict the impact of this variant on GLRA1 protein function. In summary, the available evidence is currently insufficient to determine the role of this variant in disease. Therefore, it has been classified as a Variant of Uncertain Significance.